The following is an entry in ClinVar:

NM_181426.2(CCDC39):c.22G>C (p.Glu8Gln)

Gene: CCDC39 (coiled-coil domain 39 molecular ruler complex subunit; minus strand). Cytogenetic location: 3q26.33.
Variant type: single nucleotide variant.
Coding change: c.22G>C on transcript NM_181426.2 (MANE Select); coding-DNA position 22, G replaced by C.
Protein change: p.Glu8Gln; replaces glutamic acid 8 with glutamine.
Molecular consequence: missense variant.
Genome position (GRCh38, 1-based): chr3:180,679,359, C>G on the plus strand (G>C on the coding strand, the complement: CCDC39 is on the minus strand). VCF-style: chr3-180679359-C-G. GRCh37 (hg19) VCF-style: chr3-180397147-C-G.
Other names: short protein forms E8Q.
Identifiers: ClinVar variation 525214 (VCV000525214.14), dbSNP rs1553807998, ClinGen allele CA355306546.

ClinVar aggregate classification (germline): Uncertain significance (1 of 4 stars; one submission).

Conditions:
Primary ciliary dyskinesia. Also called: Ciliary dyskinesia. Identifiers: Orphanet 244, MedGen C0008780, MONDO:0016575, HP:0012265.

Submission:

Labcorp Genetics (formerly Invitae), Labcorp
Classification: Uncertain significance for Primary ciliary dyskinesia. Last evaluated: 2021-08-31. Review status: criteria provided, single submitter. Criteria: Invitae Variant Classification Sherloc (09022015). Collection method: clinical testing. Allele origin: germline.
Comment: This sequence change replaces glutamic acid with glutamine at codon 8 of the CCDC39 protein (p.Glu8Gln). The glutamic acid residue is highly conserved and there is a small physicochemical difference between glutamic acid and glutamine. This variant is not present in population databases (ExAC no frequency). This variant has not been reported in the literature in individuals affected with CCDC39-related conditions. Algorithms developed to predict the effect of missense changes on protein structure and function are either unavailable or do not agree on the potential impact of this missense change (SIFT: "Tolerated"; PolyPhen-2: "Possibly Damaging"; Align-GVGD: "Class C0"). In summary, the available evidence is currently insufficient to determine the role of this variant in disease. Therefore, it has been classified as a Variant of Uncertain Significance.